The following is an entry in ClinVar:

ClinVar aggregate classification (germline): Uncertain significance (1 of 4 stars; one submission).

Conditions:
SEMA3G-related disorder. Also called: SEMA3G-related condition.

Submission:

PreventionGenetics, part of Exact Sciences
Classification: Uncertain significance for SEMA3G-related condition. Last evaluated: 2025-05-06. Review status: criteria provided, single submitter. Criteria: ACMG Guidelines, 2015. Collection method: clinical testing. Allele origin: germline.
Comment: The SEMA3G c.497G>T variant is predicted to result in the amino acid substitution p.Gly166Val. This variant has been reported in the homozygous state in two siblings with hypogonadotropic hypogonadism (HH), intellectual disability and facial dysmorphic features (Oleari et al. 2020. PubMed ID: 32365351). Several unaffected family members were either homozygous wild-type or heterozygous for this variant, which suggests an autosomal recessive disease association. Although SEMA3G homozygous null mice did not express the exact GnRH deficiency found in these siblings, functional studies show this variant has an effect on protein function, including increased binding affinity for PLXNA receptors, interference with GnRH neuron migration, and AKT activation (Oleari et al. 2020. PubMed ID: 32365351). This variant is reported in 0.078% of alleles in individuals of South Asian descent in gnomAD. At this time, the clinical significance of this variant is uncertain due to the absence of conclusive functional and genetic evidence.

NM_020163.3(SEMA3G):c.497G>T (p.Gly166Val)

Gene: SEMA3G (semaphorin 3G; minus strand). Cytogenetic location: 3p21.1.
Variant type: single nucleotide variant.
Coding change: c.497G>T on transcript NM_020163.3 (MANE Select); coding-DNA position 497, G replaced by T.
Protein change: p.Gly166Val; replaces glycine 166 with valine.
Molecular consequence: missense variant.
Genome position (GRCh38, 1-based): chr3:52,441,872, C>A on the plus strand (G>T on the coding strand, the complement: SEMA3G is on the minus strand). VCF-style: chr3-52441872-C-A. GRCh37 (hg19) VCF-style: chr3-52475888-C-A.
Other names: short protein forms G166V.
Identifiers: ClinVar variation 4979443 (VCV004979443.1).